The following is an entry in ClinVar:

ClinVar aggregate classification (germline): Uncertain significance. Review status: criteria provided, multiple submitters, no conflicts (2 of 4 stars). 3 submissions from 3 submitters: Uncertain significance (3). Last evaluated 2025-07-28.

Allele frequency attached by ClinVar (database versions not stated): TOPMed below 0.00001; gnomAD exomes 0.00001.
gnomAD v4.1: 8 of 1,610,174 alleles (0.0005%); highest among the groups gnomAD compares: Non-Finnish European, 0.00068%; no homozygotes.

Submissions (3):

Labcorp Genetics (formerly Invitae), Labcorp
Classification: Uncertain significance. Last evaluated: 2025-07-28. Review status: criteria provided, single submitter. Criteria: Invitae Variant Classification Sherloc (09022015). Collection method: clinical testing. Allele origin: germline.
Comment: This sequence change replaces proline, which is neutral and non-polar, with serine, which is neutral and polar, at codon 891 of the DNA2 protein (p.Pro891Ser). This variant is not present in population databases (gnomAD no frequency). This variant has not been reported in the literature in individuals affected with DNA2-related conditions. ClinVar contains an entry for this variant (Variation ID: 1311873). Invitae Evidence Modeling of protein sequence and biophysical properties (such as structural, functional, and spatial information, amino acid conservation, physicochemical variation, residue mobility, and thermodynamic stability) indicates that this missense variant is not expected to disrupt DNA2 protein function with a negative predictive value of 80%. In summary, the available evidence is currently insufficient to determine the role of this variant in disease. Therefore, it has been classified as a Variant of Uncertain Significance.

Mayo Clinic Laboratories, Mayo Clinic
Classification: Uncertain significance. Last evaluated: 2023-07-17. Review status: criteria provided, single submitter. Criteria: ACMG Guidelines, 2015. Collection method: clinical testing. Allele origin: germline. Observed: 1 variant allele.
Comment: PM2_moderate

GeneDx
Classification: Uncertain significance. Last evaluated: 2020-01-10. Review status: criteria provided, single submitter. Criteria: GeneDx Variant Classification Process June 2021. Collection method: clinical testing. Allele origin: germline. Affected: yes.
Comment: In silico analysis, which includes protein predictors and evolutionary conservation, supports a deleterious effect; Has not been previously published as pathogenic or benign to our knowledge

NM_001080449.3(DNA2):c.2671C>T (p.Pro891Ser)

Gene: DNA2 (DNA replication helicase/nuclease 2; minus strand). Cytogenetic location: 10q21.3.
Variant type: single nucleotide variant.
Coding change: c.2671C>T on transcript NM_001080449.3 (MANE Select); coding-DNA position 2671, C replaced by T.
Protein change: p.Pro891Ser; replaces proline 891 with serine.
Molecular consequence: missense variant. On other transcripts: non-coding transcript variant (1).
Genome position (GRCh38, 1-based): chr10:68,422,251, G>A on the plus strand (C>T on the coding strand, the complement: DNA2 is on the minus strand). VCF-style: chr10-68422251-G-A. GRCh37 (hg19) VCF-style: chr10-70182008-G-A.
Other names: p.Pro891Ser; short protein forms P891S.
Identifiers: ClinVar variation 1311873 (VCV001311873.4), dbSNP rs1386850085, ClinGen allele CA376844868.